The following is an entry in ClinVar:

ClinVar aggregate classification (germline): Uncertain significance (1 of 4 stars; one submission).

Submission:

Women's Health and Genetics/Laboratory Corporation of America, LabCorp
Classification: Uncertain significance. Last evaluated: 2024-12-24. Review status: criteria provided, single submitter. Criteria: LabCorp Variant Classification Summary - May 2015. Collection method: clinical testing. Allele origin: germline.
Comment: Variant summary: B3GALT6 c.450G>T (p.Glu150Asp) results in a conservative amino acid change in the encoded protein sequence. Five of five in-silico tools predict a benign effect of the variant on protein function. The variant allele was found at a frequency of 7e-06 in 1426414 control chromosomes in the gnomAD database (v4.1 dataset). This frequency is not higher than estimated for a pathogenic variant in B3GALT6 causing Spondyloepimetaphyseal dysplasia with joint laxity, type 1, with or without fractures (7e-06 vs 0.0011), allowing no conclusion about variant significance. To our knowledge, no occurrence of c.450G>T in individuals affected with Spondyloepimetaphyseal dysplasia with joint laxity, type 1, with or without fractures and no experimental evidence demonstrating its impact on protein function have been reported. No submitters have cited clinical-significance assessments for this variant to ClinVar. Based on the evidence outlined above, the variant was classified as uncertain significance.

NM_080605.4(B3GALT6):c.450G>T (p.Glu150Asp)

Gene: B3GALT6 (beta-1,3-galactosyltransferase 6; plus strand). Cytogenetic location: 1p36.33.
Variant type: single nucleotide variant.
Coding change: c.450G>T on transcript NM_080605.4 (MANE Select); coding-DNA position 450, G replaced by T.
Protein change: p.Glu150Asp; replaces glutamic acid 150 with aspartic acid.
Molecular consequence: missense variant.
Genome position (GRCh38, 1-based): chr1:1,232,728, G>T. VCF-style: chr1-1232728-G-T. GRCh37 (hg19) VCF-style: chr1-1168108-G-T.
Other names: short protein forms E150D.
Identifiers: ClinVar variation 3768447 (VCV003768447.1).